The following is an entry in ClinVar:

NM_001128228.3(TPRN):c.1818GGA[5] (p.Glu618_Glu621del)

Gene: TPRN (taperin; minus strand). Cytogenetic location: 9q34.3.
Variant type: Microsatellite.
Coding change: c.1818GGA[5] on transcript NM_001128228.3 (MANE Select); five copies in a row of the 3-base unit GGA starting at c.1818; the reference has nine copies in a row; four copies, 12 bases deleted.
Protein change: p.Glu618_Glu621del.
Molecular consequence: inframe deletion.
Genome position (GRCh38, 1-based): chr9:137,192,573-137,192,584, TCCTCCTCCTCC deleted on the plus strand (GGAGGAGGAGGA on the coding strand, the reverse complement: TPRN is on the minus strand); deleting any 12 consecutive bases within chr9:137,192,573-137,192,600 gives the same sequence; the position shown is the placement nearest the transcript's 3' end. VCF-style (leftmost placement, unchanged base first): chr9-137192572-TTCCTCCTCCTCC-T. GRCh37 (hg19) VCF-style: chr9-140087024-TTCCTCCTCCTCC-T.
Identifiers: ClinVar variation 1409821 (VCV001409821.4), dbSNP rs376810326, ClinGen allele CA5362629.

ClinVar aggregate classification (germline): Uncertain significance (1 of 4 stars; one submission).

Submission:

Labcorp Genetics (formerly Invitae), Labcorp
Classification: Uncertain significance. Last evaluated: 2021-10-20. Review status: criteria provided, single submitter. Criteria: Invitae Variant Classification Sherloc (09022015). Collection method: clinical testing. Allele origin: germline.
Comment: This variant, c.1833_1844del, results in the deletion of 4 amino acid(s) of the TPRN protein (p.Glu618_Glu621del), but otherwise preserves the integrity of the reading frame. The frequency data for this variant in the population databases is considered unreliable, as metrics indicate poor data quality at this position in the gnomAD database. This variant has not been reported in the literature in individuals affected with TPRN-related conditions. Experimental studies and prediction algorithms are not available or were not evaluated, and the functional significance of this variant is currently unknown. In summary, the available evidence is currently insufficient to determine the role of this variant in disease. Therefore, it has been classified as a Variant of Uncertain Significance.